The following is an entry in ClinVar:

NM_002661.5(PLCG2):c.1014C>T (p.Ser338=)

Gene: PLCG2 (phospholipase C gamma 2; plus strand). Cytogenetic location: 16q23.3.
Variant type: single nucleotide variant.
Coding change: c.1014C>T on transcript NM_002661.5 (MANE Select); coding-DNA position 1014, C replaced by T.
Protein change: p.Ser338=; no amino-acid change (serine 338 retained).
Molecular consequence: synonymous variant.
Genome position (GRCh38, 1-based): chr16:81,893,736, C>T. VCF-style: chr16-81893736-C-T. GRCh37 (hg19) VCF-style: chr16-81927341-C-T.
Identifiers: ClinVar variation 808116 (VCV000808116.50), dbSNP rs200149635, ClinGen allele CA8193552.
Genomic context (GRCh38, chr16:81,893,736, plus strand): 5'-CTCTCACACGGCCACCTGCCTTCTCTCCTGCAGGTACCTTACAGGTGACCAGCTGCGGAG[C>T]GAGTCGTCCCCAGAAGCTTACATCCGCTGCCTGCGCATGGGCTGTCGCTGCATTGAACGT-3'
Protein context (NP_002652.2, residues 328-348): NTYLTGDQLR[Ser338=]ESSPEAYIRC

ClinVar aggregate classification (germline): Benign/Likely benign. Review status: criteria provided, multiple submitters, no conflicts (2 of 4 stars). 3 submissions from 3 submitters: Benign (1); Likely benign (2). Last evaluated 2026-09-01.

Conditions:
Familial cold autoinflammatory syndrome 3 (FCAS3). Also called: ANTIBODY DEFICIENCY AND IMMUNE DYSREGULATION, PLCG2-ASSOCIATED; FAMILIAL ATYPICAL COLD URTICARIA. Identifiers: Orphanet 300359, MedGen C3280914, MONDO:0013766, OMIM 614468.

Allele frequency attached by ClinVar (database versions not stated): gnomAD exomes 0.00011 and 0.00024; gnomAD 0.00014 and 0.00015; ExAC 0.00017; TOPMed 0.00018.
gnomAD v4.1: 193 of 1,611,948 alleles (0.012%); highest among the groups gnomAD compares: Middle Eastern, 0.016%; no homozygotes.

Submissions (3):

CeGaT Center for Human Genetics Tuebingen
Classification: Likely benign. Last evaluated: 2026-09-01. Review status: criteria provided, single submitter. Criteria: CeGaT Center For Human Genetics Tuebingen Variant Classification Criteria Version 2. Collection method: clinical testing. Allele origin: germline. Affected: yes. Observed: 2 variant alleles.
Comment: PLCG2: BP4, BP7

Labcorp Genetics (formerly Invitae), Labcorp
Classification: Benign for Familial cold autoinflammatory syndrome 3. Last evaluated: 2025-12-30. Review status: criteria provided, single submitter. Criteria: Invitae Variant Classification Sherloc (09022015). Collection method: clinical testing. Allele origin: germline.

Blueprint Genetics
Classification: Likely benign. Last evaluated: 2024-09-13. Review status: criteria provided, single submitter. Criteria: ACMG Guidelines, 2015. Collection method: clinical testing. Allele origin: germline.